The following is an entry in ClinVar:

ClinVar aggregate classification (germline): Conflicting classifications of pathogenicity. Review status: criteria provided, conflicting classifications (1 of 4 stars). 2 submissions from 2 submitters: Uncertain significance (1); Likely benign (1). Last evaluated 2025-07-01.

Conditions:
Alstrom syndrome (ALMS). Identifiers: Orphanet 64, MedGen C0268425, MONDO:0008763, OMIM 203800.

Allele frequency attached by ClinVar (database versions not stated): TOPMed below 0.00001; ExAC 0.00001.
gnomAD v4.1: 4 of 1,531,516 alleles (0.00026%); highest among the groups gnomAD compares: Admixed American, 0.002%; no homozygotes.

Submissions (2):

GeneDx
Classification: Uncertain significance. Last evaluated: 2025-07-01. Review status: criteria provided, single submitter. Criteria: GeneDx Variant Classification Process June 2021. Collection method: clinical testing. Allele origin: germline. Affected: yes.
Comment: Not observed at significant frequency in large population cohorts (gnomAD); In silico analysis suggests that this variant does not alter splicing; Has not been previously published as pathogenic or benign to our knowledge

Labcorp Genetics (formerly Invitae), Labcorp
Classification: Likely benign for Alstrom syndrome. Last evaluated: 2025-06-02. Review status: criteria provided, single submitter. Criteria: Invitae Variant Classification Sherloc (09022015). Collection method: clinical testing. Allele origin: germline.

NM_001378454.1(ALMS1):c.765-6T>C

Gene: ALMS1 (ALMS1 centrosome and basal body associated protein; plus strand). Cytogenetic location: 2p13.1.
Variant type: single nucleotide variant.
Coding change: c.765-6T>C on transcript NM_001378454.1 (MANE Select); 6 bases into the intron before coding-DNA position 765, T replaced by C.
Molecular consequence: intron variant.
Genome position (GRCh38, 1-based): chr2:73,424,424, T>C. VCF-style: chr2-73424424-T-C. GRCh37 (hg19) VCF-style: chr2-73651552-T-C.
Other names: c.765-6T>C (NM_015120.4).
Identifiers: ClinVar variation 1562828 (VCV001562828.9), dbSNP rs755762723, ClinGen allele CA1712978.